The following is an entry in ClinVar:

ClinVar aggregate classification (germline): Uncertain significance (1 of 4 stars; one submission).

Conditions:
T-cell immunodeficiency, congenital alopecia, and nail dystrophy. Also called: Congenital alopecia and nail dystrophy associated with severe functional T-cell immunodeficiency; Pignata Guarino syndrome. Identifiers: Orphanet 169095, MedGen C1866426, MONDO:0011132, OMIM 601705.

Allele frequency attached by ClinVar (database versions not stated): gnomAD 0.00001.
gnomAD v4.1: 2 of 1,613,524 alleles (0.00012%); highest among the groups gnomAD compares: Non-Finnish European, 0.00017%; no homozygotes.

Submission:

Labcorp Genetics (formerly Invitae), Labcorp
Classification: Uncertain significance for T-cell immunodeficiency, congenital alopecia, and nail dystrophy. Last evaluated: 2022-05-12. Review status: criteria provided, single submitter. Criteria: Invitae Variant Classification Sherloc (09022015). Collection method: clinical testing. Allele origin: germline.
Comment: This variant is not present in population databases (gnomAD no frequency). In summary, the available evidence is currently insufficient to determine the role of this variant in disease. Therefore, it has been classified as a Variant of Uncertain Significance. Algorithms developed to predict the effect of sequence changes on RNA splicing suggest that this variant may create or strengthen a splice site. Algorithms developed to predict the effect of missense changes on protein structure and function are either unavailable or do not agree on the potential impact of this missense change (SIFT: "Deleterious"; PolyPhen-2: "Probably Damaging"; Align-GVGD: "Class C0"). ClinVar contains an entry for this variant (Variation ID: 856387). This variant has not been reported in the literature in individuals affected with FOXN1-related conditions. This sequence change replaces glycine, which is neutral and non-polar, with arginine, which is basic and polar, at codon 403 of the FOXN1 protein (p.Gly403Arg).

NM_001369369.1(FOXN1):c.1207G>A (p.Gly403Arg)

Gene: FOXN1 (forkhead box N1; plus strand). Cytogenetic location: 17q11.2.
Variant type: single nucleotide variant.
Coding change: c.1207G>A on transcript NM_001369369.1 (MANE Select); coding-DNA position 1207, G replaced by A.
Protein change: p.Gly403Arg; replaces glycine 403 with arginine.
Molecular consequence: missense variant.
Genome position (GRCh38, 1-based): chr17:28,534,778, G>A. VCF-style: chr17-28534778-G-A. GRCh37 (hg19) VCF-style: chr17-26861796-G-A.
Other names: c.1207G>A, p.Gly403Arg (NM_003593.3); short protein forms G403R.
Identifiers: ClinVar variation 856387 (VCV000856387.7), dbSNP rs1365407291, ClinGen allele CA398325512.